The following is an entry in ClinVar:

NM_000051.4(ATM):c.3231T>A (p.Phe1077Leu)

Gene: ATM (ATM serine/threonine kinase; plus strand). Cytogenetic location: 11q22.3.
Variant type: single nucleotide variant.
Coding change: c.3231T>A on transcript NM_000051.4 (MANE Select); coding-DNA position 3231, T replaced by A.
Protein change: p.Phe1077Leu; replaces phenylalanine 1077 with leucine.
Molecular consequence: missense variant.
Genome position (GRCh38, 1-based): chr11:108,272,799, T>A. VCF-style: chr11-108272799-T-A. GRCh37 (hg19) VCF-style: chr11-108143526-T-A.
Other names: c.3231T>A, p.Phe1077Leu (NM_001351834.2); short protein forms F1077L.
Identifiers: ClinVar variation 823247 (VCV000823247.16), dbSNP rs971770683, ClinGen allele CA228357942.
Genomic context (GRCh38, chr11:108,272,799, plus strand): 5'-ATGGGCCATTCTTAATGTAATGGGAAAAGACTTTCCTGTAAATGAAGTATTTACACAATT[T>A]CTTGCTGACAATCATCACCAAGTTCGCATGTTGGCTGCAGAGTCAATCAATAGGTAATGG-3'
Protein context (NP_000042.3, residues 1067-1087): DFPVNEVFTQ[Phe1077Leu]LADNHHQVRM

ClinVar aggregate classification (germline): Uncertain significance. Review status: criteria provided, multiple submitters, no conflicts (2 of 4 stars). 4 submissions from 4 submitters: Uncertain significance (4). Last evaluated 2025-11-24.

Conditions:
Hereditary cancer-predisposing syndrome. Also called: Hereditary Cancer Syndrome; Neoplastic Syndromes, Hereditary; Hereditary neoplastic syndrome; Tumor predisposition. Identifiers: Orphanet 140162, MedGen C0027672, MeSH D009386, MONDO:0015356.
Ataxia-telangiectasia syndrome (AT). Also called: Cerebello-oculocutaneous telangiectasia; Immunodeficiency with ataxia telangiectasia; Ataxia-telangiectasia, complementation group E; Ataxia-telangiectasia, complementation group D; AT, COMPLEMENTATION GROUP C; ATAXIA-TELANGIECTASIA, COMPLEMENTATION GROUP A. Identifiers: Orphanet 100, MedGen C0004135, MONDO:0008840, OMIM 208900.
Familial cancer of breast. Also called: Hereditary breast cancer; hereditary breast carcinoma; BREAST CANCER, FAMILIAL. Identifiers: Orphanet 227535, MedGen C0346153, MONDO:0016419, OMIM 114480. Disease mechanism: loss of function.

Allele frequency attached by ClinVar (database versions not stated): gnomAD 0.00001; TOPMed 0.00003.

Submissions (4):

Labcorp Genetics (formerly Invitae), Labcorp
Classification: Uncertain significance for Ataxia-telangiectasia syndrome. Last evaluated: 2025-11-24. Review status: criteria provided, single submitter. Criteria: Invitae Variant Classification Sherloc (09022015). Collection method: clinical testing. Allele origin: germline.
Comment: This sequence change replaces phenylalanine, which is neutral and non-polar, with leucine, which is neutral and non-polar, at codon 1077 of the ATM protein (p.Phe1077Leu). This variant is not present in population databases (gnomAD no frequency). This variant has not been reported in the literature in individuals affected with ATM-related conditions. ClinVar contains an entry for this variant (Variation ID: 823247). Invitae Evidence Modeling of protein sequence and biophysical properties (such as structural, functional, and spatial information, amino acid conservation, physicochemical variation, residue mobility, and thermodynamic stability) indicates that this missense variant is not expected to disrupt ATM protein function with a negative predictive value of 95%. In summary, the available evidence is currently insufficient to determine the role of this variant in disease. Therefore, it has been classified as a Variant of Uncertain Significance.

Ambry Genetics
Classification: Uncertain significance for Hereditary cancer-predisposing syndrome. Last evaluated: 2023-08-25. Review status: criteria provided, single submitter. Criteria: Ambry Variant Classification Scheme 2023. Collection method: clinical testing. Allele origin: germline.
Comment: The p.F1077L variant (also known as c.3231T>A), located in coding exon 21 of the ATM gene, results from a T to A substitution at nucleotide position 3231. The phenylalanine at codon 1077 is replaced by leucine, an amino acid with highly similar properties. This amino acid position is well conserved in available vertebrate species. In addition, the in silico prediction for this alteration is inconclusive. Since supporting evidence is limited at this time, the clinical significance of this alteration remains unclear.

Baylor Genetics
Classification: Uncertain significance for Familial cancer of breast. Last evaluated: 2023-06-14. Review status: criteria provided, single submitter. Criteria: ACMG Guidelines, 2015. Collection method: clinical testing. Allele origin: unknown.

Women's Health and Genetics/Laboratory Corporation of America, LabCorp
Classification: Uncertain significance. Last evaluated: 2020-10-15. Review status: criteria provided, single submitter. Criteria: LabCorp Variant Classification Summary - May 2015. Collection method: clinical testing. Allele origin: germline.
Comment: Variant summary: ATM c.3231T>A (p.Phe1077Leu) results in a non-conservative amino acid change in the encoded protein sequence. Four of five in-silico tools predict a benign effect of the variant on protein function. The variant was absent in 251296 control chromosomes. The available data on variant occurrences in the general population are insufficient to allow any conclusion about variant significance. To our knowledge, no occurrence of c.3231T>A in individuals affected with Ataxia-Telangiectasia and no experimental evidence demonstrating its impact on protein function have been reported. Two clinical diagnostic laboratories have submitted clinical-significance assessments for this variant to ClinVar after 2014 without evidence for independent evaluation. All laboratories classified the variant as uncertain significance. Based on the evidence outlined above, the variant was classified as uncertain significance.